The following is an entry in ClinVar:

NM_005732.4(RAD50):c.2525-1G>C

Gene: RAD50 (RAD50 double strand break repair protein; plus strand). Cytogenetic location: 5q31.1.
Variant type: single nucleotide variant.
Coding change: c.2525-1G>C on transcript NM_005732.4 (MANE Select); the canonical splice acceptor site of the intron before coding-DNA position 2525, G replaced by C.
Molecular consequence: splice acceptor variant.
Genome position (GRCh38, 1-based): chr5:132,604,805, G>C. VCF-style: chr5-132604805-G-C. GRCh37 (hg19) VCF-style: chr5-131940497-G-C.
Identifiers: ClinVar variation 964208 (VCV000964208.9), dbSNP rs1015686770, ClinGen allele CA127258609.

ClinVar aggregate classification (germline): Likely pathogenic. Review status: criteria provided, multiple submitters, no conflicts (2 of 4 stars). 2 submissions from 2 submitters: Likely pathogenic (2). Last evaluated 2024-03-20.

Conditions:
Hereditary cancer-predisposing syndrome. Also called: Tumor predisposition; Hereditary neoplastic syndrome; Hereditary Cancer Syndrome; Neoplastic Syndromes, Hereditary. Identifiers: Orphanet 140162, MedGen C0027672, MeSH D009386, MONDO:0015356.
Nijmegen breakage syndrome-like disorder (NBSLD). Also called: MICROCEPHALY AND SPONTANEOUS CHROMOSOME INSTABILITY WITHOUT IMMUNODEFICIENCY; NBS-LIKE DISORDER; RAD50 DEFICIENCY. Identifiers: Orphanet 240760, MedGen C2751318, MONDO:0013118, OMIM 613078.

Allele frequency attached by ClinVar (database versions not stated): TOPMed 0.00002.

Submissions (2):

Fulgent Genetics
Classification: Likely pathogenic for Nijmegen breakage syndrome-like disorder. Last evaluated: 2024-03-20. Review status: criteria provided, single submitter. Criteria: ACMG Guidelines, 2015. Collection method: clinical testing. Allele origin: germline.

Labcorp Genetics (formerly Invitae), Labcorp
Classification: Likely pathogenic for Hereditary cancer-predisposing syndrome. Last evaluated: 2021-10-08. Review status: criteria provided, single submitter. Criteria: Invitae Variant Classification Sherloc (09022015). Collection method: clinical testing. Allele origin: germline.
Comment: This variant is not present in population databases (ExAC no frequency). This sequence change affects an acceptor splice site in intron 15 of the RAD50 gene. It is expected to disrupt RNA splicing and likely results in an absent or disrupted protein product. This variant has not been reported in the literature in individuals with RAD50-related conditions. In summary, the currently available evidence indicates that the variant is pathogenic, but additional data are needed to prove that conclusively. Therefore, this variant has been classified as Likely Pathogenic. Donor and acceptor splice site variants typically lead to a loss of protein function (PMID: 16199547), and loss-of-function variants in RAD50 are known to be pathogenic (PMID: 16385572, 19409520). Algorithms developed to predict the effect of sequence changes on RNA splicing suggest that this variant may disrupt the consensus splice site, but this prediction has not been confirmed by published transcriptional studies.

Literature cited by the submitters: PubMed 16199547 (cited by Labcorp Genetics (formerly Invitae), Labcorp); PubMed 16385572 (cited by Labcorp Genetics (formerly Invitae), Labcorp); PubMed 19409520 (cited by Labcorp Genetics (formerly Invitae), Labcorp).